The following is an entry in ClinVar:

NM_000238.4(KCNH2):c.2591A>G (p.Asp864Gly)

Gene: KCNH2 (potassium voltage-gated channel subfamily H member 2; minus strand). Cytogenetic location: 7q36.1.
Variant type: single nucleotide variant.
Coding change: c.2591A>G on transcript NM_000238.4 (MANE Select); coding-DNA position 2591, A replaced by G.
Protein change: p.Asp864Gly; replaces aspartic acid 864 with glycine.
Molecular consequence: missense variant.
Genome position (GRCh38, 1-based): chr7:150,948,857, T>C on the plus strand (A>G on the coding strand, the complement: KCNH2 is on the minus strand). VCF-style: chr7-150948857-T-C. GRCh37 (hg19) VCF-style: chr7-150645945-T-C.
Other names: c.2591A>G (LRG_288t1); c.1571A>G, p.Asp524Gly (NM_172057.3); short protein forms D524G, D864G.
Identifiers: ClinVar variation 67417 (VCV000067417.8), dbSNP rs199473008, ClinGen allele CA007016.

ClinVar aggregate classification (germline): Uncertain significance. Review status: criteria provided, single submitter (1 of 4 stars). 2 submissions from 2 submitters: Uncertain significance (1). 1 of the submissions does not count toward it. Last evaluated 2025-06-08.

Conditions:
Familial long QT syndrome (RWS). Also called: Congenital long QT syndrome; Romano-Ward syndrome; VENTRICULAR FIBRILLATION WITH PROLONGED QT INTERVAL. Identifiers: Orphanet 768, MedGen C1141890, MONDO:0019171.
Long QT syndrome (LQTS). Identifiers: MedGen C0023976, MeSH D008133, MONDO:0002442. Disease mechanism: loss of function. Inheritance: Various modes of inheritance.

Allele frequency attached by ClinVar (database versions not stated): gnomAD exomes 0.00001.
gnomAD v4.1: 14 of 1,614,044 alleles (0.00087%); highest among the groups gnomAD compares: Non-Finnish European, 0.0012%; no homozygotes.

Submissions (2):

Labcorp Genetics (formerly Invitae), Labcorp
Classification: Uncertain significance for Long QT syndrome. Last evaluated: 2025-06-08. Review status: criteria provided, single submitter. Criteria: Invitae Variant Classification Sherloc (09022015). Collection method: clinical testing. Allele origin: germline.
Comment: This sequence change replaces aspartic acid, which is acidic and polar, with glycine, which is neutral and non-polar, at codon 864 of the KCNH2 protein (p.Asp864Gly). This variant is not present in population databases (gnomAD no frequency). This missense change has been observed in individual(s) with cardiac arrhythmia and/or long QT syndrome (PMID: 20541041, 36861347). ClinVar contains an entry for this variant (Variation ID: 67417). An algorithm developed to predict the effect of missense changes on protein structure and function (PolyPhen-2) suggests that this variant is likely to be tolerated. Algorithms developed to predict the effect of sequence changes on RNA splicing suggest that this variant may disrupt the consensus splice site. In summary, the available evidence is currently insufficient to determine the role of this variant in disease. Therefore, it has been classified as a Variant of Uncertain Significance.

Cardiovascular Biomedical Research Unit, Royal Brompton & Harefield NHS Foundation Trust
No classification provided. Condition: Familial long QT syndrome. Review status: no classification provided. Collection method: literature only. Allele origin: germline. Not counted in ClinVar's aggregate classification.
Comment: This variant has been reported as associated with Long QT syndrome in the following publications (PMID:20541041). This is a literature report, and does not necessarily reflect the clinical interpretation of the Imperial College / Royal Brompton Cardiovascular Genetics laboratory.

Literature cited by the submitters: PubMed 20541041 (cited by Labcorp Genetics (formerly Invitae), Labcorp and Cardiovascular Biomedical Research Unit, Royal Brompton & Harefield NHS Foundation Trust); PubMed 36861347 (cited by Labcorp Genetics (formerly Invitae), Labcorp); PubMed 22581653 (cited by Cardiovascular Biomedical Research Unit, Royal Brompton & Harefield NHS Foundation Trust).